The following is an entry in ClinVar:

NM_000360.4(TH):c.1035_1045del (p.Gln346fs)

Gene: TH (tyrosine hydroxylase; minus strand). Cytogenetic location: 11p15.5.
Variant type: Deletion.
Coding change: c.1035_1045del on transcript NM_000360.4 (MANE Select); coding-DNA positions 1035 to 1045, 11 bases deleted (GCAGTTCTCGC).
Protein change: p.Gln346fs; shifts the reading frame from glutamine 346.
Molecular consequence: frameshift variant.
Genome position (GRCh38, 1-based): chr11:2,166,482-2,166,492, GCGAGAACTGC deleted on the plus strand (GCAGTTCTCGC on the coding strand, the reverse complement: TH is on the minus strand); deleting any 11 consecutive bases within chr11:2,166,482-2,166,496 gives the same sequence; the c. name uses the placement nearest the transcript's 3' end. VCF-style (leftmost placement, unchanged base first): chr11-2166481-TGCGAGAACTGC-T. GRCh37 (hg19) VCF-style: chr11-2187711-TGCGAGAACTGC-T.
Other names: c.1128_1138del, p.Gln377fs (NM_199292.3); c.1116_1126del, p.Gln373fs (NM_199293.3); short protein forms Q346fs, Q377fs, Q373fs.
Identifiers: ClinVar variation 639906 (VCV000639906.9), dbSNP rs1590166832, ClinGen allele CA915948011.

ClinVar aggregate classification (germline): Pathogenic/Likely pathogenic. Review status: criteria provided, multiple submitters, no conflicts (2 of 4 stars). 3 submissions from 3 submitters: Pathogenic (1); Likely pathogenic (2). Last evaluated 2024-12-03.

Conditions:
TH-deficient dopa-responsive dystonia. Also called: Tyrosine Hydroxylase-Deficient Dopa-Responsive Dystonia; DYT-TH; Segawa syndrome, autosomal recessive. Identifiers: Orphanet 101150, MedGen C2673535, MONDO:0011551, OMIM 605407.

Submissions (3):

Labcorp Genetics (formerly Invitae), Labcorp
Classification: Pathogenic for TH-deficient dopa-responsive dystonia. Last evaluated: 2024-12-03. Review status: criteria provided, single submitter. Criteria: Invitae Variant Classification Sherloc (09022015). Collection method: clinical testing. Allele origin: germline.
Comment: This sequence change creates a premature translational stop signal (p.Gln377Glyfs*12) in the TH gene. It is expected to result in an absent or disrupted protein product. Loss-of-function variants in TH are known to be pathogenic (PMID: 22264700, 24753243). This variant is not present in population databases (gnomAD no frequency). This variant has not been reported in the literature in individuals affected with TH-related conditions. ClinVar contains an entry for this variant (Variation ID: 639906). For these reasons, this variant has been classified as Pathogenic.

Fulgent Genetics
Classification: Likely pathogenic for TH-deficient dopa-responsive dystonia. Last evaluated: 2024-06-12. Review status: criteria provided, single submitter. Criteria: ACMG Guidelines, 2015. Collection method: clinical testing. Allele origin: germline.

Baylor Genetics
Classification: Likely pathogenic for TH-deficient dopa-responsive dystonia. Review status: criteria provided, single submitter. Criteria: ACMG Guidelines, 2015. Collection method: clinical testing. Allele origin: germline.

Literature cited by the submitters: PubMed 22264700 (cited by Labcorp Genetics (formerly Invitae), Labcorp); PubMed 24753243 (cited by Labcorp Genetics (formerly Invitae), Labcorp).